The following is an entry in ClinVar:

NM_016107.5(ZFR):c.433T>C (p.Tyr145His)

Gene: ZFR (zinc finger RNA binding protein; minus strand). Cytogenetic location: 5p13.3.
Variant type: single nucleotide variant.
Coding change: c.433T>C on transcript NM_016107.5 (MANE Select); coding-DNA position 433, T replaced by C.
Protein change: p.Tyr145His; replaces tyrosine 145 with histidine.
Molecular consequence: missense variant. On other transcripts: non-coding transcript variant (1).
Genome position (GRCh38, 1-based): chr5:32,417,780, A>G on the plus strand (T>C on the coding strand, the complement: ZFR is on the minus strand). VCF-style: chr5-32417780-A-G. GRCh37 (hg19) VCF-style: chr5-32417885-A-G.
Other names: short protein forms Y145H.
Identifiers: ClinVar variation 4762853 (VCV004762853.1).

ClinVar aggregate classification (germline): Uncertain significance (1 of 4 stars; one submission).

Conditions:
Pure or complex autosomal recessive spastic paraplegia. Identifiers: Orphanet 320346, MedGen C5679887, MONDO:0017915.

Submission:

Labcorp Genetics (formerly Invitae), Labcorp
Classification: Uncertain significance for Pure or complex autosomal recessive spastic paraplegia. Last evaluated: 2025-09-14. Review status: criteria provided, single submitter. Criteria: Invitae Variant Classification Sherloc (09022015). Collection method: clinical testing. Allele origin: germline.
Comment: This sequence change replaces tyrosine, which is neutral and polar, with histidine, which is basic and polar, at codon 145 of the ZFR protein (p.Tyr145His). This variant is not present in population databases (gnomAD no frequency). This variant has not been reported in the literature in individuals affected with ZFR-related conditions. An algorithm developed to predict the effect of missense changes on protein structure and function (PolyPhen-2) suggests that this variant is likely to be disruptive. In summary, the available evidence is currently insufficient to determine the role of this variant in disease. Therefore, it has been classified as a Variant of Uncertain Significance.